The following is an entry in ClinVar:

ClinVar aggregate classification (germline): Benign. Review status: criteria provided, multiple submitters, no conflicts (2 of 4 stars). 6 submissions from 6 submitters: Benign (6). Last evaluated 2026-02-04.

Conditions:
Knobloch syndrome (KNO). Also called: RETINAL DETACHMENT AND OCCIPITAL ENCEPHALOCELE; Myopia retinal detachment encephalocele. Identifiers: Orphanet 1571, MedGen C1849409, MONDO:0800166.

Allele frequency attached by ClinVar (database versions not stated): 1000 Genomes Project 30x 0.11508; 1000 Genomes Project 0.11562; gnomAD exomes 0.11588 and 0.11972; ESP Exome Variant Server 0.12344; TOPMed 0.12415; gnomAD 0.12805 and 0.12931; ExAC 0.21695.
gnomAD v4.1: 190,846 of 1,585,750 alleles (12%); highest among the groups gnomAD compares: African/African-American, 15%; 12,184 homozygotes.

Submissions (6):

Labcorp Genetics (formerly Invitae), Labcorp
Classification: Benign. Last evaluated: 2026-02-04. Review status: criteria provided, single submitter. Criteria: Invitae Variant Classification Sherloc (09022015). Collection method: clinical testing. Allele origin: germline.

Blueprint Genetics
Classification: Benign. Last evaluated: 2024-11-28. Review status: criteria provided, single submitter. Criteria: ACMG Guidelines, 2015. Collection method: clinical testing. Allele origin: germline.

GeneDx
Classification: Benign. Last evaluated: 2021-05-04. Review status: criteria provided, single submitter. Criteria: GeneDx Variant Classification Process June 2021. Collection method: clinical testing. Allele origin: germline. Affected: yes.

Illumina Laboratory Services, Illumina
Classification: Benign for Knobloch syndrome 1. Last evaluated: 2018-01-13. Review status: criteria provided, single submitter. Criteria: ICSL Variant Classification Criteria 13 December 2019. Collection method: clinical testing. Allele origin: germline.
Comment: This variant was observed in the ICSL laboratory as part of a predisposition screen in an ostensibly healthy population. It had not been previously curated by ICSL or reported in the Human Gene Mutation Database (HGMD: prior to June 1st, 2018), and was therefore a candidate for classification through an automated scoring system. Utilizing variant allele frequency, disease prevalence and penetrance estimates, and inheritance mode, an automated score was calculated to assess if this variant is too frequent to cause the disease. Based on the score and internal cut-off values, a variant classified as benign is not then subjected to further curation. The score for this variant resulted in a classification of benign for this disease.

Breakthrough Genomics
Classification: Benign. Review status: criteria provided, single submitter. Criteria: ACMG Guidelines, 2015. Collection method: not provided. Allele origin: germline. Inheritance: Autosomal recessive inheritance. Affected: yes.

PreventionGenetics, part of Exact Sciences
Classification: Benign. Review status: criteria provided, single submitter. Criteria: ACMG Guidelines, 2015. Collection method: clinical testing. Allele origin: germline.

NM_001379500.1(COL18A1):c.1981G>A (p.Val661Ile)

Gene: COL18A1 (collagen type XVIII alpha 1 chain; plus strand). Cytogenetic location: 21q22.3.
Variant type: single nucleotide variant.
Coding change: c.1981G>A on transcript NM_001379500.1 (MANE Select); coding-DNA position 1981, G replaced by A.
Protein change: p.Val661Ile; replaces valine 661 with isoleucine.
Molecular consequence: missense variant.
Genome position (GRCh38, 1-based): chr21:45,490,296, G>A. VCF-style: chr21-45490296-G-A. GRCh37 (hg19) VCF-style: chr21-46910210-G-A.
Other names: NM_130445.2:c.1981G>A; c.2521G>A, p.Val841Ile (NM_030582.4); c.3226G>A, p.Val1076Ile (NM_130444.3); short protein forms V841I, V1076I.
Identifiers: ClinVar variation 261897 (VCV000261897.17), dbSNP rs62000962, ClinGen allele CA10066729.